The following is an entry in ClinVar:

ClinVar aggregate classification (germline): Benign (1 of 4 stars; one submission).

Conditions:
Hereditary diffuse gastric adenocarcinoma (HDGC). Also called: DIFFUSE GASTRIC AND LOBULAR BREAST CANCER SYNDROME. Identifiers: Orphanet 26106, MedGen C1708349, MONDO:0007648, OMIM 137215.

Submission:

Myriad Genetics, Inc.
Classification: Benign for Hereditary diffuse gastric adenocarcinoma. Last evaluated: 2024-10-16. Review status: criteria provided, single submitter. Criteria: Myriad Autosomal Dominant, Autosomal Recessive and X-Linked Classification Criteria (2023). Collection method: clinical testing. Allele origin: unknown.
Comment: This variant is considered benign. This variant occurs in the non-coding 3' untranslated region of the gene, and is not expected to impact protein function.

NM_001903.5(CTNNA1):c.2720_*2dup (p.Ter907=)

Gene: CTNNA1 (catenin alpha 1; plus strand). Cytogenetic location: 5q31.2.
Variant type: Duplication.
Coding change: c.2720_*2dup on transcript NM_001903.5 (MANE Select); coding-DNA position 2720 through 2 bases downstream of the stop codon, 4 bases duplicated (AAGT; older notation c.2720_*2dupAAGT).
Protein change: p.Ter907=.
Molecular consequence: no sequence alteration. On other transcripts: 3 prime UTR variant (5).
Genome position (GRCh38, 1-based): chr5:138,934,088-138,934,091, AAGT duplicated; duplicating any 4 consecutive bases within chr5:138,934,087-138,934,091 gives the same sequence; the c. name uses the placement nearest the transcript's 3' end. VCF-style (leftmost placement, unchanged base first): chr5-138934086-C-CTAAG. GRCh37 (hg19) VCF-style: chr5-138269775-C-CTAAG.
Other names: c.*265_*268dup (NM_001290307.3, NM_001324002.1, NM_001324003.1 and 2 more transcripts); c.2411_*2dup, p.Ter804= (NM_001290309.3); c.2351_*2dup, p.Ter784= (NM_001290310.3); c.1610_*2dup, p.Ter537= (NM_001290312.1, NM_001323987.1, NM_001323988.1 and 12 more transcripts); c.2720_*2dup, p.Ter907= (NM_001323982.2, NM_001323983.1, NM_001323984.2); c.2693_*2dup, p.Ter898= (NM_001323985.2); c.2627_*2dup, p.Ter876= (NM_001323986.2); c.1475_*2dup, p.Ter492= (NM_001324001.1); and 3 more.
Identifiers: ClinVar variation 3773234 (VCV003773234.1).